The following is an entry in ClinVar:

NM_182914.3(SYNE2):c.19441G>C (p.Asp6481His)

Gene: SYNE2 (spectrin repeat containing nuclear envelope protein 2; plus strand). Cytogenetic location: 14q23.2.
Variant type: single nucleotide variant.
Coding change: c.19441G>C on transcript NM_182914.3 (MANE Select); coding-DNA position 19441, G replaced by C.
Protein change: p.Asp6481His; replaces aspartic acid 6481 with histidine.
Molecular consequence: missense variant. On other transcripts: 5 prime UTR variant (1).
Genome position (GRCh38, 1-based): chr14:64,216,286, G>C. VCF-style: chr14-64216286-G-C. GRCh37 (hg19) VCF-style: chr14-64683004-G-C.
Other names: c.19372G>C, p.Asp6458His (NM_015180.6); c.-36G>C (NM_182910.2); c.343G>C, p.Asp115His (NM_182913.4); short protein forms D6481H, D6458H, D115H.
Identifiers: ClinVar variation 313651 (VCV000313651.15), dbSNP rs202052357, ClinGen allele CA7224448.
Genomic context (GRCh38, chr14:64,216,286, plus strand): 5'-CGCTTGCTGTCTTTCGTTTCAGGTAAATCCATTTCGGATGGCCACTCGTGGCATGTTCCC[G>C]ACAGCCCTTCCTGTCCCGAGCATCACTACAAGCAAATGGAAGGTGACAGGAATGTTCCAC-3'
Protein context (NP_878918.2, residues 6471-6491): ISDGHSWHVP[Asp6481His]SPSCPEHHYK

ClinVar aggregate classification (germline): Conflicting classifications of pathogenicity. Review status: criteria provided, conflicting classifications (1 of 4 stars). 3 submissions from 3 submitters: Uncertain significance (2); Likely benign (1). Last evaluated 2025-09-02.

Conditions:
Emery-Dreifuss muscular dystrophy 5, autosomal dominant (EDMD5). Also called: EMERY-DREIFUSS MUSCULAR DYSTROPHY 5. Identifiers: Orphanet 261, MedGen C2751805, MONDO:0013072, OMIM 612999.

Allele frequency attached by ClinVar (database versions not stated): TOPMed 0.00002; ESP Exome Variant Server 0.00008; 1000 Genomes Project 30x 0.00016; 1000 Genomes Project 0.00020.
gnomAD v4.1: 43 of 1,614,130 alleles (0.0027%); highest among the groups gnomAD compares: Non-Finnish European, 0.0032%; no homozygotes.

Submissions (3):

Labcorp Genetics (formerly Invitae), Labcorp
Classification: Uncertain significance for Emery-Dreifuss muscular dystrophy 5, autosomal dominant. Last evaluated: 2025-09-02. Review status: criteria provided, single submitter. Criteria: Invitae Variant Classification Sherloc (09022015). Collection method: clinical testing. Allele origin: germline.
Comment: This sequence change replaces aspartic acid, which is acidic and polar, with histidine, which is basic and polar, at codon 6481 of the SYNE2 protein (p.Asp6481His). This variant is present in population databases (rs202052357, gnomAD 0.01%). This variant has not been reported in the literature in individuals affected with SYNE2-related conditions. ClinVar contains an entry for this variant (Variation ID: 313651). An algorithm developed to predict the effect of missense changes on protein structure and function (PolyPhen-2) suggests that this variant is likely to be disruptive. In summary, the available evidence is currently insufficient to determine the role of this variant in disease. Therefore, it has been classified as a Variant of Uncertain Significance.

Ambry Genetics
Classification: Uncertain significance. Last evaluated: 2024-06-18. Review status: criteria provided, single submitter. Criteria: Ambry Variant Classification Scheme 2023. Collection method: clinical testing. Allele origin: germline.

Illumina Laboratory Services, Illumina
Classification: Likely benign for Emery-Dreifuss muscular dystrophy 5, autosomal dominant. Last evaluated: 2018-01-12. Review status: criteria provided, single submitter. Criteria: ICSL Variant Classification Criteria 13 December 2019. Collection method: clinical testing. Allele origin: germline.
Comment: This variant was observed in the ICSL laboratory as part of a predisposition screen in an ostensibly healthy population. It had not been previously curated by ICSL or reported in the Human Gene Mutation Database (HGMD: prior to June 1st, 2018), and was therefore a candidate for classification through an automated scoring system. Utilizing variant allele frequency, disease prevalence and penetrance estimates, and inheritance mode, an automated score was calculated to assess if this variant is too frequent to cause the disease. Based on the score and internal cut-off values, a variant classified as likely benign is not then subjected to further curation. The score for this variant resulted in a classification of likely benign for this disease.